The following is an entry in ClinVar:

NM_001364857.2(ADGRB2):c.3088C>T (p.Arg1030Cys)

Gene: ADGRB2 (adhesion G protein-coupled receptor B2; minus strand). Cytogenetic location: 1p35.2.
Variant type: single nucleotide variant.
Coding change: c.3088C>T on transcript NM_001364857.2 (MANE Select); coding-DNA position 3088, C replaced by T.
Protein change: p.Arg1030Cys; replaces arginine 1030 with cysteine.
Molecular consequence: missense variant.
Genome position (GRCh38, 1-based): chr1:31,736,615, G>A on the plus strand (C>T on the coding strand, the complement: ADGRB2 is on the minus strand). VCF-style: chr1-31736615-G-A. GRCh37 (hg19) VCF-style: chr1-32202216-G-A.
Other names: c.3088C>T, p.Arg1030Cys (NM_001294335.2, NM_001294336.2, NM_001703.2); short protein forms R1030C.
Identifiers: ClinVar variation 2968603 (VCV002968603.3), dbSNP rs1437351799, ClinGen allele CA339603512.

ClinVar aggregate classification (germline): Uncertain significance (1 of 4 stars; one submission).

Allele frequency attached by ClinVar (database versions not stated): gnomAD exomes below 0.00001; gnomAD 0.00001.
gnomAD v4.1: 6 of 1,613,996 alleles (0.00037%); highest among the groups gnomAD compares: East Asian, 0.0022%; no homozygotes.

Submission:

Labcorp Genetics (formerly Invitae), Labcorp
Classification: Uncertain significance. Last evaluated: 2023-10-24. Review status: criteria provided, single submitter. Criteria: Invitae Variant Classification Sherloc (09022015). Collection method: clinical testing. Allele origin: germline.
Comment: This sequence change replaces arginine, which is basic and polar, with cysteine, which is neutral and slightly polar, at codon 1030 of the ADGRB2 protein (p.Arg1030Cys). This variant is not present in population databases (gnomAD no frequency). This variant has not been reported in the literature in individuals affected with ADGRB2-related conditions. An algorithm developed to predict the effect of missense changes on protein structure and function (PolyPhen-2) suggests that this variant is likely to be disruptive. In summary, the available evidence is currently insufficient to determine the role of this variant in disease. Therefore, it has been classified as a Variant of Uncertain Significance.